The following continues an entry in ClinVar:

NM_000297.4(PKD2):c.2407C>T (p.Arg803Ter)

Gene: PKD2. ClinVar aggregate classification (germline): Pathogenic. Pathogenic (13).

Submissions 12 to 15 of 15:

ARUP Laboratories, Molecular Genetics and Genomics, ARUP Laboratories
Classification: Pathogenic for Polycystic kidney disease 2. Last evaluated: 2019-01-07. Review status: criteria provided, single submitter. Criteria: ARUP Molecular Germline Variant Investigation Process. Collection method: clinical testing. Allele origin: germline.
Comment: The PKD2 c.2407C>T; p.Arg803Ter variant (rs778235410) has been reported in multiple individuals diagnosed with autosomal dominant polycystic kidney disease (Audrezet 2012, Chung 2006, Deltas 2001, Mallawaarachchi 2016, Tan 2011, Zhang 2005). It is observed on only three chromosomes in the Genome Aggregation Database (3/251064 alleles), indicating it is not a common polymorphism. This variant induces an early termination codon and is predicted to result in a truncated protein or mRNA subject to nonsense-mediated decay. Based on available information, the p.Arg803Ter variant is considered to be pathogenic. References: Audrezet M et al. Autosomal dominant polycystic kidney disease: comprehensive mutation analysis of PKD1 and PKD2 in 700 unrelated patients. Hum Mutat. 2012; 33(8):1239-50. Chung W et al. PKD2 gene mutation analysis in Korean autosomal dominant polycystic kidney disease patients using two-dimensional gene scanning. Clin Genet. 2006; 70(6):502-8. Deltas C et al. Mutations of the human polycystic kidney disease 2 (PKD2) gene. Hum Mutat. 2001; 18(1):13-24. Mallawaarachchi AC et al. Whole-genome sequencing overcomes pseudogene homology to diagnose autosomal dominant polycystic kidney disease. Eur J Hum Genet. 2016 Nov;24(11):1584-1590. Tan Y et al. Aberrant PKD2 splicing due to a presumed novel missense mutation in autosomal-dominant polycystic kidney disease. Clin Genet. 2011; 80(3):287-92. Zhang S et al. Mutation analysis of autosomal dominant polycystic kidney disease genes in Han Chinese. Nephron Exp Nephrol. 2005; 100(2):e63-76.

Molecular Genetics of Inherited Kidney Disorders Laboratory, Garvan Institute of Medical Research
Classification: Pathogenic. Last evaluated: 2019-01-01. Review status: criteria provided, single submitter. Criteria: ACMG Guidelines, 2015. Collection method: clinical testing. Allele origin: germline. Affected: yes.

PreventionGenetics, part of Exact Sciences
Classification: Pathogenic for PKD2-related condition. Last evaluated: 2024-04-29. Review status: no assertion criteria provided. Collection method: clinical testing. Allele origin: germline. Not counted in ClinVar's aggregate classification.
Comment: The PKD2 c.2407C>T variant is predicted to result in premature protein termination (p.Arg803*). This variant has been reported in multiple individuals with autosomal dominant polycystic kidney disease (ADPKD) (see for example at Deltas et al. 2001. PubMed ID: 11438989; Mallawaarachchi et al. 2016. PubMed ID: 27165007; Kim et al. 2019. PubMed ID: 31740684). This variant is reported in 0.016% of alleles in individuals of East Asian descent in gnomAD. Nonsense variants in PKD2 are expected to be pathogenic. This variant is interpreted as pathogenic.

Department of Pathology and Laboratory Medicine, Sinai Health System
Classification: Pathogenic for Polycystic Kidney disease. Review status: no assertion criteria provided. Collection method: clinical testing. Allele origin: unknown. Affected: yes. Observed: 3 variant alleles. Study: The Canadian Open Genetics Repository (COGR). Not counted in ClinVar's aggregate classification.
Comment: The PKD2 p.Arg803X variant was identified in 1 of 40 proband chromosomes (frequency: 0.025) from individuals or families in the Korean population with ADPKD (Choi 2014). The variant was also identified in dbSNP (ID: rs778235410) as â€šÃ„ÃºNAâ€šÃ„Ã¹. The variant was also identified in the genome Aggregation Database (February 27, 2017) in 3 of 121234 chromosomes (freq. 0.00001) and the Exome Aggregation Consortium database (August 8th 2016) in 3 of 121234 chromosomes (freq. 0.00002) in the East Asian population in 3 of 8590 chromosomes (freq. 0.0003), but was not seen in the African, Finnish, European (Non-Finnish), Latino, South Asian or other populations. The variant was not identified in the 1000 Genomes and the NHLBI GO Exome Sequencing Projects nor in the Clinvitae, the ClinVar, GeneInsight COGR, ADPKD Mutation Database, and PKD2-LOVD databases. The p.Arg803X variant leads to a premature stop codon at position 803, which is predicted to lead to a truncated or absent protein and loss of function. Loss of function variants of the PKD2 gene are an established mechanism of disease in autosomal dominant polycystic kidney disease and is the type of variant expected to cause the disorder. In summary, based on the above information, this variant meets our laboratoryâ€šÃ„Ã´s criteria to be classified as pathogenic.

Literature cited by the submitters: PubMed 25491204 (cited by Victorian Clinical Genetics Services, Murdoch Childrens Research Institute); PubMed 30639418 (cited by Victorian Clinical Genetics Services, Murdoch Childrens Research Institute); PubMed 27165007 (cited by Division of Genetic & Genomic Pathology, Hong Kong Children's Hospital and Ambry Genetics); PubMed 31740684 (cited by 3 submitters); PubMed 34101167 (cited by Division of Genetic & Genomic Pathology, Hong Kong Children's Hospital and Ambry Genetics); PubMed 32533764 (cited by Division of Genetic & Genomic Pathology, Hong Kong Children's Hospital); PubMed 35778421 (cited by Women's Health and Genetics/Laboratory Corporation of America, LabCorp and Ambry Genetics); PubMed 36938073 (cited by Ambry Genetics); PubMed 17582161 (cited by Labcorp Genetics (formerly Invitae), Labcorp); PubMed 22863349 (cited by Labcorp Genetics (formerly Invitae), Labcorp).